The following is an entry in ClinVar:

NM_015231.3(NUP160):c.347G>A (p.Arg116His)

Gene: NUP160 (nucleoporin 160; minus strand). Cytogenetic location: 11p11.2.
Variant type: single nucleotide variant.
Coding change: c.347G>A on transcript NM_015231.3 (MANE Select); coding-DNA position 347, G replaced by A.
Protein change: p.Arg116His; replaces arginine 116 with histidine.
Molecular consequence: missense variant. On other transcripts: non-coding transcript variant (1).
Genome position (GRCh38, 1-based): chr11:47,840,454, C>T on the plus strand (G>A on the coding strand, the complement: NUP160 is on the minus strand). VCF-style: chr11-47840454-C-T. GRCh37 (hg19) VCF-style: chr11-47862006-C-T.
Other names: c.449G>A, p.Arg150His (NM_001318399.1); c.449G>A (NM_015231.1); short protein forms R116H, R150H.
Identifiers: ClinVar variation 1980136 (VCV001980136.4), dbSNP rs137886182, ClinGen allele CA5981643.
Genomic context (GRCh38, chr11:47,840,454, plus strand): 5'-GAGGGGTGTGGTAAAAGTAACCTGTGCACTGTTTGATTGGTTAACATCAAGATTATCACA[C>T]GATTCTGAGTCTCAGAGACATAAACCCCTCCAGGTAAAACACTGCAATTTTGGAATTTTA-3'
Protein context (NP_056046.2, residues 106-126): GGVYVSETQN[Arg116His]VIILMLTNQT

ClinVar aggregate classification (germline): Conflicting classifications of pathogenicity. Review status: criteria provided, conflicting classifications (1 of 4 stars). 2 submissions from 2 submitters: Uncertain significance (1); Likely benign (1). Last evaluated 2024-09-12.

Allele frequency attached by ClinVar (database versions not stated): ExAC 0.00002; gnomAD 0.00002; gnomAD exomes 0.00002; TOPMed 0.00002; 1000 Genomes Project 30x 0.00016; 1000 Genomes Project 0.00020.
gnomAD v4.1: 40 of 1,614,132 alleles (0.0025%); highest among the groups gnomAD compares: Middle Eastern, 0.033%; 1 homozygote.

Submissions (2):

Ambry Genetics
Classification: Likely benign. Last evaluated: 2024-09-12. Review status: criteria provided, single submitter. Criteria: Ambry Variant Classification Scheme 2023. Collection method: clinical testing. Allele origin: germline.

Labcorp Genetics (formerly Invitae), Labcorp
Classification: Uncertain significance. Last evaluated: 2022-08-05. Review status: criteria provided, single submitter. Criteria: Invitae Variant Classification Sherloc (09022015). Collection method: clinical testing. Allele origin: germline.
Comment: This sequence change replaces arginine, which is basic and polar, with histidine, which is basic and polar, at codon 150 of the NUP160 protein (p.Arg150His). This variant is present in population databases (rs137886182, gnomAD 0.007%). This variant has not been reported in the literature in individuals affected with NUP160-related conditions. Algorithms developed to predict the effect of missense changes on protein structure and function output the following: SIFT: "Not Available"; PolyPhen-2: "Benign"; Align-GVGD: "Not Available". The histidine amino acid residue is found in multiple mammalian species, which suggests that this missense change does not adversely affect protein function. In summary, the available evidence is currently insufficient to determine the role of this variant in disease. Therefore, it has been classified as a Variant of Uncertain Significance.